The following is an entry in ClinVar:

NM_000553.6(WRN):c.1765G>A (p.Gly589Ser)

Gene: WRN (WRN RecQ like helicase; plus strand). Cytogenetic location: 8p12.
Variant type: single nucleotide variant.
Coding change: c.1765G>A on transcript NM_000553.6 (MANE Select); coding-DNA position 1765, G replaced by A.
Protein change: p.Gly589Ser; replaces glycine 589 with serine.
Molecular consequence: missense variant.
Genome position (GRCh38, 1-based): chr8:31,090,878, G>A. VCF-style: chr8-31090878-G-A. GRCh37 (hg19) VCF-style: chr8-30948394-G-A.
Other names: short protein forms G589S.
Identifiers: ClinVar variation 2045007 (VCV002045007.4), dbSNP rs2535931577, ClinGen allele CA370927760.

ClinVar aggregate classification (germline): Uncertain significance (1 of 4 stars; one submission).

Conditions:
Werner syndrome (WRN). Identifiers: Orphanet 902, MedGen C0043119, MONDO:0010196, OMIM 277700.

Allele frequency attached by ClinVar (database versions not stated): gnomAD exomes below 0.00001.
gnomAD v4.1: 1 of 1,612,670 alleles (0.000062%); highest among the groups gnomAD compares: Non-Finnish European, 0.000085%; no homozygotes.

Submission:

Labcorp Genetics (formerly Invitae), Labcorp
Classification: Uncertain significance for Werner syndrome. Last evaluated: 2023-02-11. Review status: criteria provided, single submitter. Criteria: Invitae Variant Classification Sherloc (09022015). Collection method: clinical testing. Allele origin: germline.
Comment: In summary, the available evidence is currently insufficient to determine the role of this variant in disease. Therefore, it has been classified as a Variant of Uncertain Significance. An algorithm developed to predict the effect of missense changes on protein structure and function (PolyPhen-2) suggests that this variant is likely to be disruptive. This variant has not been reported in the literature in individuals affected with WRN-related conditions. This variant is not present in population databases (gnomAD no frequency). This sequence change replaces glycine, which is neutral and non-polar, with serine, which is neutral and polar, at codon 589 of the WRN protein (p.Gly589Ser).